The following is an entry in ClinVar:

NM_001023570.4(IQCB1):c.767-2A>G

Gene: IQCB1 (IQ motif containing B1; minus strand). Cytogenetic location: 3q13.33.
Variant type: single nucleotide variant.
Coding change: c.767-2A>G on transcript NM_001023570.4 (MANE Select); the canonical splice acceptor site of the intron before coding-DNA position 767, A replaced by G.
Molecular consequence: splice acceptor variant. On other transcripts: intron variant (1).
Genome position (GRCh38, 1-based): chr3:121,797,229, T>C on the plus strand (A>G on the coding strand, the complement: IQCB1 is on the minus strand). VCF-style: chr3-121797229-T-C. GRCh37 (hg19) VCF-style: chr3-121516076-T-C.
Other names: c.767-2A>G (NM_001319107.2); c.588-7014A>G (NM_001023571.4).
Identifiers: ClinVar variation 1333366 (VCV001333366.1), dbSNP rs2108566215, ClinGen allele CA354121128.

ClinVar aggregate classification (germline): Likely pathogenic (1 of 4 stars; one submission).

Conditions:
Senior-Loken syndrome 5 (SLSN5). Identifiers: Orphanet 3156, MedGen C1836517, MONDO:0012225, OMIM 609254.

Submission:

3billion
Classification: Likely pathogenic for Senior-Loken syndrome 5. Last evaluated: 2022-01-03. Review status: criteria provided, single submitter. Criteria: ACMG Guidelines, 2015. Collection method: clinical testing. Allele origin: germline. Affected: yes. Observed: 1 homozygote.
Comment: Canonical splice site: predicted to alter splicing and result in a loss or disruption of normal protein function through protein truncation. Multiple pathogenic variants are reported in the predicted truncated region (PVS1_VS).It is not observed in the gnomAD v2.1.1 dataset (PM2_M). Therefore, this variant is classified as likely pathogenic according to the recommendation of ACMG/AMP guideline.